The following is an entry in ClinVar:

ClinVar aggregate classification (germline): Pathogenic/Likely pathogenic. Review status: criteria provided, multiple submitters, no conflicts (2 of 4 stars). 8 submissions from 8 submitters: Pathogenic (6); Likely pathogenic (1). 1 of the submissions does not count toward it. Last evaluated 2026-10-06.

Conditions:
RAD51D-related disorder. Also called: RAD51D-related condition.
Hereditary cancer-predisposing syndrome. Also called: Neoplastic Syndromes, Hereditary; Hereditary Cancer Syndrome; Hereditary neoplastic syndrome; Tumor predisposition. Identifiers: Orphanet 140162, MedGen C0027672, MeSH D009386, MONDO:0015356.
Hereditary breast ovarian cancer syndrome. Also called: Breast and ovarian cancer; Hereditary breast and ovarian cancer syndrome; Hereditary breast and ovarian cancer syndrome (HBOC); Hereditary breast and/or ovarian cancer syndrome; BRCA1- and BRCA2-Associated Hereditary Breast and Ovarian Cancer; Hereditary breast and ovarian cancer. Identifiers: Orphanet 145, MedGen C0677776, MeSH D061325, MONDO:0003582. Disease mechanism: loss of function.
Breast-ovarian cancer, familial, susceptibility to, 4. Identifiers: Orphanet 145, MedGen C3280345, MONDO:0013669, OMIM 614291.
Inherited breast cancer and ovarian cancer.

Allele frequency attached by ClinVar (database versions not stated): gnomAD exomes 0.00001 and below 0.00001; ExAC 0.00001.
gnomAD v4.1: 6 of 1,614,110 alleles (0.00037%); highest among the groups gnomAD compares: Non-Finnish European, 0.00051%; no homozygotes.

Submissions (8):

NHS Central & South Genomic Laboratory Hub
Classification: Pathogenic for Inherited breast cancer and ovarian cancer. Last evaluated: 2026-10-06. Review status: criteria provided, single submitter. Criteria: ACMG Guidelines, 2015. Collection method: clinical testing. Allele origin: germline. Affected: yes.

Department of Clinical Genetics, Copenhagen University Hospital, Rigshospitalet
Classification: Likely pathogenic for Hereditary cancer-predisposing syndrome. Last evaluated: 2025-02-04. Review status: criteria provided, single submitter. Criteria: ACMG Guidelines, 2015. Collection method: clinical testing. Allele origin: germline.
Comment: PVS1; PM2_SUP

Myriad Genetics, Inc.
Classification: Pathogenic for Breast-ovarian cancer, familial, susceptibility to, 4. Last evaluated: 2023-04-06. Review status: criteria provided, single submitter. Criteria: Myriad Autosomal Dominant, Autosomal Recessive and X-Linked Classification Criteria (2023). Collection method: clinical testing. Allele origin: unknown.
Comment: This variant is considered pathogenic. This variant creates a termination codon and is predicted to result in premature protein truncation.

Blueprint Genetics
Classification: Pathogenic for RAD51D-related disorders. Last evaluated: 2023-01-25. Review status: criteria provided, single submitter. Criteria: ACMG Guidelines, 2015. Collection method: clinical testing. Allele origin: germline. Affected: yes. Observed: 1 variant allele.

Women's Health and Genetics/Laboratory Corporation of America, LabCorp
Classification: Pathogenic for Hereditary breast ovarian cancer syndrome. Last evaluated: 2022-09-21. Review status: criteria provided, single submitter. Criteria: LabCorp Variant Classification Summary - May 2015. Collection method: clinical testing. Allele origin: germline.
Comment: Variant summary: RAD51D c.649G>T (p.Gly217X) results in a premature termination codon, predicted to cause a truncation of the encoded protein or absence of the protein due to nonsense mediated decay, which are commonly known mechanisms for disease. Truncations downstream of this position have been classified as pathogenic by our laboratory and associated with phenotype in HGMD. The variant allele was found at a frequency of 8e-06 in 251434 control chromosomes. c.649G>T has been reported in the literature in at least one individual affected with High Grade Serous Epithelial Ovarian Cancer (example Song_2015). To our knowledge, no experimental evidence demonstrating an impact on protein function has been reported. Three clinical diagnostic laboratories have submitted clinical-significance assessments for this variant to ClinVar after 2014 and classified the variant as pathogenic (n=2) and likely pathogenic (n=1). Based on the evidence outlined above, the variant was classified as pathogenic.

Ambry Genetics
Classification: Pathogenic for Hereditary cancer-predisposing syndrome. Last evaluated: 2022-03-11. Review status: criteria provided, single submitter. Criteria: Ambry Variant Classification Scheme 2023. Collection method: clinical testing. Allele origin: germline.
Comment: The p.G217* pathogenic mutation (also known as c.649G>T), located in coding exon 7 of the RAD51D gene, results from a G to T substitution at nucleotide position 649. This changes the amino acid from a glycine to a stop codon within coding exon 7. In addition to the clinical data presented in the literature, this alteration is expected to result in loss of function by premature protein truncation or nonsense-mediated mRNA decay. As such, this alteration is interpreted as a disease-causing mutation.

Institute of Medical Genetics and Applied Genomics, University Hospital Tübingen
Classification: Pathogenic. Last evaluated: 2020-10-23. Review status: criteria provided, single submitter. Criteria: ACMG Guidelines, 2015. Collection method: clinical testing. Allele origin: germline. Inheritance: Unknown mechanism. Affected: yes.

Counsyl
Classification: Likely pathogenic for Breast-ovarian cancer, familial, susceptibility to, 4. Last evaluated: 2016-11-28. Review status: no assertion criteria provided. Collection method: clinical testing. Allele origin: unknown. Not counted in ClinVar's aggregate classification.

Literature cited by the submitters: PubMed 26261251 (cited by 3 submitters).

NM_002878.4(RAD51D):c.649G>T (p.Gly217Ter)

Genes: RAD51D (RAD51 paralog D; minus strand), RAD51L3-RFFL (RAD51L3-RFFL readthrough; minus strand). Cytogenetic location: 17q12.
Variant type: single nucleotide variant.
Coding change: c.649G>T on transcript NM_002878.4 (MANE Select); coding-DNA position 649, G replaced by T.
Protein change: p.Gly217Ter; replaces glycine 217 with a stop codon.
Molecular consequence: nonsense. On other transcripts: non-coding transcript variant (3).
Genome position (GRCh38, 1-based): chr17:35,103,472, C>A on the plus strand (G>T on the coding strand, the complement: RAD51D is on the minus strand). VCF-style: chr17-35103472-C-A. GRCh37 (hg19) VCF-style: chr17-33430491-C-A.
Other names: c.709G>T, p.Gly237Ter (NM_001142571.2); c.313G>T, p.Gly105Ter (NM_133629.3); short protein forms G217*, G105*, G237*.
Identifiers: ClinVar variation 484764 (VCV000484764.15), dbSNP rs775365939, ClinGen allele CA8499398.
Genomic context (GRCh38, chr17:35,103,472, plus strand): 5'-AGGTCACATTCCACTGGCCCCAGGCTCTGCCACATCACTCACCTTCCCTCTGCTGACCTC[C>A]CAGAAGTGGGGAAACCACCGCAGTGACCGAGTCCACAACCACCACCTTCACAGTTCCTGA-3'